The following is an entry in ClinVar:

ClinVar aggregate classification (germline): Likely pathogenic (1 of 4 stars; one submission).

Conditions:
Short-rib thoracic dysplasia 6 with or without polydactyly (SRTD6). Also called: SHORT-RIB THORACIC DYSPLASIA 6 WITH POLYDACTYLY; Majewski Syndrome; POLYDACTYLY WITH NEONATAL CHONDRODYSTROPHY, TYPE II; SHORT RIB-POLYDACTYLY SYNDROME, TYPE IIA; SHORT-RIB THORACIC DYSPLASIA 6 WITHOUT POLYDACTYLY. Identifiers: MedGen C0024507, MONDO:0009894, OMIM 263520.

Allele frequency attached by ClinVar (database versions not stated): TOPMed below 0.00001.

Submission:

Labcorp Genetics (formerly Invitae), Labcorp
Classification: Likely pathogenic for Short-rib thoracic dysplasia 6 with or without polydactyly. Last evaluated: 2023-12-22. Review status: criteria provided, single submitter. Criteria: Invitae Variant Classification Sherloc (09022015). Collection method: clinical testing. Allele origin: germline.
Comment: This sequence change affects an acceptor splice site in intron 2 of the NEK1 gene. It is expected to disrupt RNA splicing. Variants that disrupt the donor or acceptor splice site typically lead to a loss of protein function (PMID: 16199547), and loss-of-function variants in NEK1 are known to be pathogenic (PMID: 22499340, 29068549). This variant is not present in population databases (gnomAD no frequency). This variant has not been reported in the literature in individuals affected with NEK1-related conditions. Algorithms developed to predict the effect of sequence changes on RNA splicing suggest that this variant may disrupt the consensus splice site. In summary, the currently available evidence indicates that the variant is pathogenic, but additional data are needed to prove that conclusively. Therefore, this variant has been classified as Likely Pathogenic.

Literature cited by the submitters: PubMed 16199547; PubMed 22499340; PubMed 29068549.

NM_001199397.3(NEK1):c.118-1G>A

Gene: NEK1 (NIMA related kinase 1; minus strand). Cytogenetic location: 4q33.
Variant type: single nucleotide variant.
Coding change: c.118-1G>A on transcript NM_001199397.3 (MANE Select); the canonical splice acceptor site of the intron before coding-DNA position 118, G replaced by A.
Molecular consequence: splice acceptor variant.
Genome position (GRCh38, 1-based): chr4:169,602,105, C>T on the plus strand (G>A on the coding strand, the complement: NEK1 is on the minus strand). VCF-style: chr4-169602105-C-T. GRCh37 (hg19) VCF-style: chr4-170523256-C-T.
Other names: c.118-1G>A (NM_001374421.1, NM_001374420.1, NM_001199399.3 and 7 more transcripts).
Identifiers: ClinVar variation 2722994 (VCV002722994.3), dbSNP rs1770598885, ClinGen allele CA358745748.